The following is an entry in ClinVar:

ClinVar aggregate classification (germline): Likely benign (1 of 4 stars; one submission).

Submission:

Women's Health and Genetics/Laboratory Corporation of America, LabCorp
Classification: Likely benign. Last evaluated: 2023-09-28. Review status: criteria provided, single submitter. Criteria: LabCorp Variant Classification Summary - May 2015. Collection method: clinical testing. Allele origin: germline.
Comment: Variant summary: ASXL2 c.632-19A>C alters a non-conserved nucleotide located at a position not widely known to affect splicing. Consensus agreement among computation tools predict no significant impact on normal splicing. However, these predictions have yet to be confirmed by functional studies. The variant was absent in 248726 control chromosomes (gnomAD). The available data on variant occurrences in the general population are insufficient to allow any conclusion about variant significance. To our knowledge, no occurrence of c.632-19A>C in individuals affected with Shashi-Pena Syndrome and no experimental evidence demonstrating its impact on protein function have been reported. No submitters have reported clinical-significance assessments for this variant to ClinVar after 2014. Based on the evidence outlined above, the variant was classified as likely benign.

NM_018263.6(ASXL2):c.632-19A>C

Gene: ASXL2 (ASXL transcriptional regulator 2; minus strand). Cytogenetic location: 2p23.3.
Variant type: single nucleotide variant.
Coding change: c.632-19A>C on transcript NM_018263.6 (MANE Select); 19 bases into the intron before coding-DNA position 632, A replaced by C.
Molecular consequence: intron variant.
Genome position (GRCh38, 1-based): chr2:25,767,745, T>G on the plus strand (A>C on the coding strand, the complement: ASXL2 is on the minus strand). VCF-style: chr2-25767745-T-G. GRCh37 (hg19) VCF-style: chr2-25990614-T-G.
Other names: c.458-19A>C (NM_001369346.1); c.-149-19A>C (NM_001369347.1).
Identifiers: ClinVar variation 2637590 (VCV002637590.1), dbSNP rs200374474, ClinGen allele CA2695200431.